The following is an entry in ClinVar:

NM_000501.4(ELN):c.1747+49G>C

Genes: ELN (elastin; plus strand), ELN-AS1 (ELN antisense RNA 1; minus strand). Cytogenetic location: 7q11.23.
Variant type: single nucleotide variant.
Coding change: c.1747+49G>C on transcript NM_000501.4 (MANE Select); 49 bases into the intron after coding-DNA position 1747, G replaced by C.
Molecular consequence: intron variant. On other transcripts: missense variant (1).
Genome position (GRCh38, 1-based): chr7:74,060,550, G>C. VCF-style: chr7-74060550-G-C. GRCh37 (hg19) VCF-style: chr7-73474880-G-C.
Other names: c.1883G>C, p.Gly628Ala (NM_001278939.2); c.1762+49G>C (NM_001081754.3); c.1705+49G>C (NM_001081753.3); c.1765+49G>C (NM_001278915.2); c.1747+49G>C (NM_001278912.2); c.1690+49G>C (NM_001081755.3); c.1603+49G>C (NM_001278916.2); c.1504+49G>C (NM_001278913.2); and 4 more; short protein forms G628A.
Identifiers: ClinVar variation 697044 (VCV000697044.9), dbSNP rs201047209, ClinGen allele CA4293179.

ClinVar aggregate classification (germline): Likely benign. Review status: criteria provided, multiple submitters, no conflicts (2 of 4 stars). 2 submissions from 2 submitters: Likely benign (2). Last evaluated 2026-02-03.

Conditions:
Supravalvar aortic stenosis (SVAS). Also called: Supravalvar aortic stenosis, Eisenberg type. Identifiers: Orphanet 3193, MedGen C0003499, MONDO:0008504, OMIM 185500, HP:0004381.
ELN-related disorder.

Allele frequency attached by ClinVar (database versions not stated): gnomAD exomes 0.00002 and 0.00008; gnomAD 0.00004 and 0.00007; ExAC 0.00005; TOPMed 0.00006; 1000 Genomes Project 30x 0.00047; 1000 Genomes Project 0.00060.
gnomAD v4.1: 47 of 1,613,978 alleles (0.0029%); highest among the groups gnomAD compares: East Asian, 0.085%; no homozygotes.

Submissions (2):

PreventionGenetics, part of Exact Sciences
Classification: Likely benign for ELN-related condition. Last evaluated: 2026-02-03. Review status: criteria provided, single submitter. Criteria: ACMG Guidelines, 2015. Collection method: clinical testing. Allele origin: germline.
Comment: This variant is classified as likely benign based on ACMG/AMP sequence variant interpretation guidelines (Richards et al. 2015 PMID: 25741868, with internal and published modifications).

Labcorp Genetics (formerly Invitae), Labcorp
Classification: Likely benign for Supravalvar aortic stenosis. Last evaluated: 2021-12-03. Review status: criteria provided, single submitter. Criteria: Invitae Variant Classification Sherloc (09022015). Collection method: clinical testing. Allele origin: germline.